The following is an entry in ClinVar:

ClinVar aggregate classification (germline): Uncertain significance (1 of 4 stars; one submission).

Submission:

Women's Health and Genetics/Laboratory Corporation of America, LabCorp
Classification: Uncertain significance. Last evaluated: 2022-05-10. Review status: criteria provided, single submitter. Criteria: LabCorp Variant Classification Summary - May 2015. Collection method: clinical testing. Allele origin: germline.
Comment: Variant summary: TRPM7 c.4333_4334delGA (p.Asp1445X) results in a premature termination codon, predicted to cause a truncation of the encoded protein or absence of the protein due to nonsense mediated decay, which are commonly known mechanisms for disease. However, to our knowledge, an association of loss of function variants in the TRPM7 gene with disease is not established. The variant was absent in 236766 control chromosomes. The available data on variant occurrences in the general population are insufficient to allow any conclusion about variant significance. To our knowledge, no occurrence of c.4333_4334delGA in individuals affected with Amyotrophic Lateral Sclerosis-Parkinsonism Complex and no experimental evidence demonstrating its impact on protein function have been reported. No clinical diagnostic laboratories have submitted clinical-significance assessments for this variant to ClinVar after 2014. Based on the evidence outlined above, the variant was classified as uncertain significance.

NM_017672.6(TRPM7):c.4333_4334del (p.Arg1444_Asp1445insTer)

Gene: TRPM7 (transient receptor potential cation channel subfamily M member 7; minus strand). Cytogenetic location: 15q21.2.
Variant type: Microsatellite.
Coding change: c.4333_4334del on transcript NM_017672.6 (MANE Select); coding-DNA positions 4333 to 4334, 2 bases deleted (GA; older notation c.4333_4334delGA).
Protein change: p.Arg1444_Asp1445insTer.
Molecular consequence: nonsense. On other transcripts: non-coding transcript variant (3).
Genome position (GRCh38, 1-based): chr15:50,589,647-50,589,648, TC deleted on the plus strand (GA on the coding strand, the reverse complement: TRPM7 is on the minus strand); deleting any 2 consecutive bases within chr15:50,589,647-50,589,651 gives the same sequence; the c. name uses the placement nearest the transcript's 3' end. VCF-style (leftmost placement, unchanged base first): chr15-50589646-ATC-A. GRCh37 (hg19) VCF-style: chr15-50881843-ATC-A.
Other names: c.4333_4334del, p.Arg1444_Asp1445insTer (NM_001301212.2).
Identifiers: ClinVar variation 1696347 (VCV001696347.1), dbSNP rs2059433712, ClinGen allele CA2176474001.